The following is an entry in ClinVar:

NM_003504.5(CDC45):c.542+189A>G

Gene: CDC45 (cell division cycle 45; plus strand). Cytogenetic location: 22q11.21.
Variant type: single nucleotide variant.
Coding change: c.542+189A>G on transcript NM_003504.5 (MANE Select); 189 bases into the intron after coding-DNA position 542, A replaced by G.
Molecular consequence: intron variant. On other transcripts: missense variant (1).
Genome position (GRCh38, 1-based): chr22:19,494,571, A>G. VCF-style: chr22-19494571-A-G. GRCh37 (hg19) VCF-style: chr22-19482094-A-G.
Other names: c.607A>G, p.Met203Val (NM_001178010.2); c.506+189A>G (NM_001369291.1); c.404+189A>G (NM_001178011.2); short protein forms M203V.
Identifiers: ClinVar variation 2082662 (VCV002082662.3), dbSNP rs1391420064, ClinGen allele CA410664808.

ClinVar aggregate classification (germline): Uncertain significance (1 of 4 stars; one submission).

Allele frequency attached by ClinVar (database versions not stated): gnomAD exomes 0.00001.
gnomAD v4.1: 6 of 1,548,844 alleles (0.00039%); highest among the groups gnomAD compares: Admixed American, 0.0078%; no homozygotes.

Submission:

Labcorp Genetics (formerly Invitae), Labcorp
Classification: Uncertain significance. Last evaluated: 2026-01-19. Review status: criteria provided, single submitter. Criteria: Invitae Variant Classification Sherloc (09022015). Collection method: clinical testing. Allele origin: germline.
Comment: This sequence change replaces methionine, which is neutral and non-polar, with valine, which is neutral and non-polar, at codon 203 of the CDC45 protein (p.Met203Val). This variant is present in population databases (no rsID available, gnomAD 0.02%). This variant has not been reported in the literature in individuals affected with CDC45-related conditions. ClinVar contains an entry for this variant (Variation ID: 2082662). An algorithm developed to predict the effect of missense changes on protein structure and function outputs the following: PolyPhen-2: "Benign". The valine amino acid residue is found in multiple mammalian species, which suggests that this missense change does not adversely affect protein function. In summary, the available evidence is currently insufficient to determine the role of this variant in disease. Therefore, it has been classified as a Variant of Uncertain Significance.